The following is an entry in ClinVar:

ClinVar aggregate classification (germline): Uncertain significance. Review status: criteria provided, multiple submitters, no conflicts (2 of 4 stars). 2 submissions from 2 submitters: Uncertain significance (2). Last evaluated 2023-04-24.

Conditions:
Inborn genetic diseases. Identifiers: MedGen C0950123, MeSH D030342.

Allele frequency attached by ClinVar (database versions not stated): ExAC 0.00001; gnomAD 0.00001; TOPMed 0.00003.
gnomAD v4.1: 31 of 1,613,000 alleles (0.0019%); highest among the groups gnomAD compares: Non-Finnish European, 0.0025%; no homozygotes.

Submissions (2):

Ambry Genetics
Classification: Uncertain significance for Inborn genetic diseases. Last evaluated: 2023-04-24. Review status: criteria provided, single submitter. Criteria: Ambry Variant Classification Scheme 2023. Collection method: clinical testing. Allele origin: germline.

Labcorp Genetics (formerly Invitae), Labcorp
Classification: Uncertain significance. Last evaluated: 2022-04-22. Review status: criteria provided, single submitter. Criteria: Invitae Variant Classification Sherloc (09022015). Collection method: clinical testing. Allele origin: germline.
Comment: In summary, the available evidence is currently insufficient to determine the role of this variant in disease. Therefore, it has been classified as a Variant of Uncertain Significance. Algorithms developed to predict the effect of missense changes on protein structure and function output the following: SIFT: "Tolerated"; PolyPhen-2: "Benign"; Align-GVGD: "Class C0". The arginine amino acid residue is found in multiple mammalian species, which suggests that this missense change does not adversely affect protein function. This variant has not been reported in the literature in individuals affected with VARS2-related conditions. This variant is present in population databases (rs751154041, gnomAD 0.003%). This sequence change replaces threonine, which is neutral and polar, with arginine, which is basic and polar, at codon 1044 of the VARS2 protein (p.Thr1044Arg).

NM_020442.6(VARS2):c.3041C>G (p.Thr1014Arg)

Gene: VARS2 (valyl-tRNA synthetase 2, mitochondrial; plus strand). Cytogenetic location: 6p21.33.
Variant type: single nucleotide variant.
Coding change: c.3041C>G on transcript NM_020442.6 (MANE Select); coding-DNA position 3041, C replaced by G.
Protein change: p.Thr1014Arg; replaces threonine 1014 with arginine.
Molecular consequence: missense variant.
Genome position (GRCh38, 1-based): chr6:30,925,959, C>G. VCF-style: chr6-30925959-C-G. GRCh37 (hg19) VCF-style: chr6-30893736-C-G.
Other names: c.3131C>G (NM_001167734.1); c.2621C>G, p.Thr874Arg (NM_001167733.3); c.3131C>G, p.Thr1044Arg (NM_001167734.2); short protein forms T1014R, T1044R, T874R.
Identifiers: ClinVar variation 2419454 (VCV002419454.9), dbSNP rs751154041, ClinGen allele CA3706439.